The following is an entry in ClinVar:

ClinVar aggregate classification (germline): Likely pathogenic (1 of 4 stars; one submission).

Allele frequency attached by ClinVar (database versions not stated): gnomAD exomes below 0.00001.
gnomAD v4.1: 2 of 1,614,006 alleles (0.00012%); highest among the groups gnomAD compares: African/African-American, 0.0027%; no homozygotes.

Submission:

Labcorp Genetics (formerly Invitae), Labcorp
Classification: Likely pathogenic. Last evaluated: 2022-08-26. Review status: criteria provided, single submitter. Criteria: Invitae Variant Classification Sherloc (09022015). Collection method: clinical testing. Allele origin: germline.
Comment: Algorithms developed to predict the effect of sequence changes on RNA splicing suggest that this variant may disrupt the consensus splice site. Disruption of this splice site has been observed in individual(s) with clinical features of glucocorticoid deficiency (Invitae). This variant is not present in population databases (gnomAD no frequency). This sequence change affects a donor splice site in intron 6 of the NNT gene. It is expected to disrupt RNA splicing. Variants that disrupt the donor or acceptor splice site typically lead to a loss of protein function (PMID: 16199547), and loss-of-function variants in NNT are known to be pathogenic (PMID: 22634753, 25459914). In summary, the currently available evidence indicates that the variant is pathogenic, but additional data are needed to prove that conclusively. Therefore, this variant has been classified as Likely Pathogenic.

Literature cited by the submitters: PubMed 16199547; PubMed 22634753; PubMed 25459914.

NM_182977.3(NNT):c.776+1G>A

Gene: NNT (nicotinamide nucleotide transhydrogenase; plus strand). Cytogenetic location: 5p12.
Variant type: single nucleotide variant.
Coding change: c.776+1G>A on transcript NM_182977.3 (MANE Select); the canonical splice donor site of the intron after coding-DNA position 776, G replaced by A.
Molecular consequence: splice donor variant.
Genome position (GRCh38, 1-based): chr5:43,624,121, G>A. VCF-style: chr5-43624121-G-A. GRCh37 (hg19) VCF-style: chr5-43624223-G-A.
Other names: c.776+1G>A (NM_012343.4); c.383+1G>A (NM_001331026.2).
Identifiers: ClinVar variation 2027241 (VCV002027241.4), dbSNP rs2478364756, ClinGen allele CA359669443.